The following is an entry in ClinVar:

NM_001605.3(AARS1):c.1493-187T>C

Gene: AARS1 (alanyl-tRNA synthetase 1; minus strand). Cytogenetic location: 16q22.1.
Variant type: single nucleotide variant.
Coding change: c.1493-187T>C on transcript NM_001605.3 (MANE Select); 187 bases into the intron before coding-DNA position 1493, T replaced by C.
Molecular consequence: intron variant.
Genome position (GRCh38, 1-based): chr16:70,262,711, A>G on the plus strand (T>C on the coding strand, the complement: AARS1 is on the minus strand). VCF-style: chr16-70262711-A-G. GRCh37 (hg19) VCF-style: chr16-70296614-A-G.
Identifiers: ClinVar variation 677699 (VCV000677699.2), dbSNP rs78344434, ClinGen allele CA14316547.

ClinVar aggregate classification (germline): Benign. Review status: criteria provided, multiple submitters, no conflicts (2 of 4 stars). 2 submissions from 2 submitters: Benign (2). Last evaluated 2018-06-16.

Allele frequency attached by ClinVar (database versions not stated): gnomAD 0.09386 and 0.10055; TOPMed 0.10408; 1000 Genomes Project 0.10883; 1000 Genomes Project 30x 0.11524.
gnomAD v4.1: 14,132 of 151,484 alleles (9.3%); highest among the groups gnomAD compares: African/African-American, 32%; 2,156 homozygotes.

Submissions (2):

GeneDx
Classification: Benign. Last evaluated: 2018-06-16. Review status: criteria provided, single submitter. Criteria: GeneDx Variant Classification (06012015). Collection method: clinical testing. Allele origin: germline. Affected: yes.
Comment: This variant is considered likely benign or benign based on one or more of the following criteria: it is a conservative change, it occurs at a poorly conserved position in the protein, it is predicted to be benign by multiple in silico algorithms, and/or has population frequency not consistent with disease.

Breakthrough Genomics
Classification: Benign. Review status: criteria provided, single submitter. Criteria: ACMG Guidelines, 2015. Collection method: not provided. Allele origin: germline. Inheritance: Autosomal recessive inheritance. Affected: yes.